The following is an entry in ClinVar:

NM_001366385.1(CARD14):c.2963C>T (p.Ala988Val)

Genes: CARD14 (caspase recruitment domain family member 14; plus strand), SGSH (N-sulfoglucosamine sulfohydrolase; minus strand). Cytogenetic location: 17q25.3.
Variant type: single nucleotide variant.
Coding change: c.2963C>T on transcript NM_001366385.1 (MANE Select); coding-DNA position 2963, C replaced by T.
Protein change: p.Ala988Val; replaces alanine 988 with valine.
Molecular consequence: missense variant. On other transcripts: non-coding transcript variant (1).
Genome position (GRCh38, 1-based): chr17:80,208,293, C>T. VCF-style: chr17-80208293-C-T. GRCh37 (hg19) VCF-style: chr17-78182092-C-T.
Other names: c.2963C>T, p.Ala988Val (NM_024110.4); short protein forms A988V.
Identifiers: ClinVar variation 1024567 (VCV001024567.9), dbSNP rs2041464783, ClinGen allele CA401357735.

ClinVar aggregate classification (germline): Uncertain significance (1 of 4 stars; one submission).

Conditions:
Pityriasis rubra pilaris (PRP). Also called: Pityriasis rubra pilaris--familial type. Identifiers: Orphanet 2897, MedGen C0032027, MONDO:0100017, OMIM 173200, MONDO:0008251.
Psoriasis 2. Identifiers: MedGen C1864497, MONDO:0011269, OMIM 602723.

Allele frequency attached by ClinVar (database versions not stated): gnomAD exomes below 0.00001.
gnomAD v4.1: 3 of 1,603,502 alleles (0.00019%); highest among the groups gnomAD compares: Non-Finnish European, 0.00017%; no homozygotes.

Submission:

Labcorp Genetics (formerly Invitae), Labcorp
Classification: Uncertain significance for Pityriasis rubra pilaris; Psoriasis 2. Last evaluated: 2024-09-30. Review status: criteria provided, single submitter. Criteria: Invitae Variant Classification Sherloc (09022015). Collection method: clinical testing. Allele origin: germline.
Comment: This sequence change replaces alanine, which is neutral and non-polar, with valine, which is neutral and non-polar, at codon 988 of the CARD14 protein (p.Ala988Val). This variant is not present in population databases (gnomAD no frequency). This variant has not been reported in the literature in individuals affected with CARD14-related conditions. ClinVar contains an entry for this variant (Variation ID: 1024567). Invitae Evidence Modeling of protein sequence and biophysical properties (such as structural, functional, and spatial information, amino acid conservation, physicochemical variation, residue mobility, and thermodynamic stability) indicates that this missense variant is not expected to disrupt CARD14 protein function with a negative predictive value of 80%. In summary, the available evidence is currently insufficient to determine the role of this variant in disease. Therefore, it has been classified as a Variant of Uncertain Significance.